The following is an entry in ClinVar:

ClinVar aggregate classification (germline): Uncertain significance. Review status: criteria provided, multiple submitters, no conflicts (2 of 4 stars). 2 submissions from 2 submitters: Uncertain significance (2). Last evaluated 2025-05-19.

Conditions:
Inborn genetic diseases. Identifiers: MedGen C0950123, MeSH D030342.
Autosomal recessive limb-girdle muscular dystrophy type 2O. Also called: Limb-Girdle Muscular Dystrophy Type 3C; MUSCULAR DYSTROPHY-DYSTROGLYCANOPATHY (LIMB-GIRDLE), TYPE C, 3; MUSCULAR DYSTROPHY-DYSTROGLYCANOPATHY, LIMB-GIRDLE, POMGNT1-RELATED. Identifiers: Orphanet 206564, MedGen C3150417, MONDO:0013161, OMIM 613157.
Muscular dystrophy-dystroglycanopathy (congenital with impaired intellectual development), type B, 3. Also called: Muscular dystrophy-dystroglycanopathy (congenital with intellectual disability), type B3; MUSCULAR DYSTROPHY, CONGENITAL, POMGNT1-RELATED. Identifiers: MedGen C3150412, MONDO:0013155, OMIM 613151.

Allele frequency attached by ClinVar (database versions not stated): gnomAD 0.00001; TOPMed 0.00001.
gnomAD v4.1: 2 of 1,614,076 alleles (0.00012%); highest among the groups gnomAD compares: African/African-American, 0.0027%; no homozygotes.

Submissions (2):

Ambry Genetics
Classification: Uncertain significance for Inborn genetic diseases. Last evaluated: 2025-05-19. Review status: criteria provided, single submitter. Criteria: Ambry Variant Classification Scheme 2023. Collection method: clinical testing. Allele origin: germline.

Labcorp Genetics (formerly Invitae), Labcorp
Classification: Uncertain significance for Autosomal recessive limb-girdle muscular dystrophy type 2O; Muscular dystrophy-dystroglycanopathy (congenital with impaired intellectual development), type B, 3. Last evaluated: 2022-04-10. Review status: criteria provided, single submitter. Criteria: Invitae Variant Classification Sherloc (09022015). Collection method: clinical testing. Allele origin: germline.
Comment: This sequence change replaces glutamic acid, which is acidic and polar, with glutamine, which is neutral and polar, at codon 463 of the POMGNT1 protein (p.Glu463Gln). This variant is present in population databases (no rsID available, gnomAD 0.01%). This variant has not been reported in the literature in individuals affected with POMGNT1-related conditions. Advanced modeling of protein sequence and biophysical properties (such as structural, functional, and spatial information, amino acid conservation, physicochemical variation, residue mobility, and thermodynamic stability) performed at Invitae indicates that this missense variant is not expected to disrupt POMGNT1 protein function. In summary, the available evidence is currently insufficient to determine the role of this variant in disease. Therefore, it has been classified as a Variant of Uncertain Significance.

NM_017739.4(POMGNT1):c.1387G>C (p.Glu463Gln)

Genes: POMGNT1 (protein O-linked mannose N-acetylglucosaminyltransferase 1 (beta 1,2-); minus strand), TSPAN1 (tetraspanin 1; plus strand). Cytogenetic location: 1p34.1.
Variant type: single nucleotide variant.
Coding change: c.1387G>C on transcript NM_017739.4 (MANE Select); coding-DNA position 1387, G replaced by C.
Protein change: p.Glu463Gln; replaces glutamic acid 463 with glutamine.
Molecular consequence: missense variant.
Genome position (GRCh38, 1-based): chr1:46,192,334, C>G on the plus strand (G>C on the coding strand, the complement: POMGNT1 is on the minus strand). VCF-style: chr1-46192334-C-G. GRCh37 (hg19) VCF-style: chr1-46658006-C-G.
Other names: c.1387G>C, p.Glu463Gln (NM_001243766.2, NM_001410783.1); c.1321G>C, p.Glu441Gln (NM_001290129.3); c.958G>C, p.Glu320Gln (NM_001290130.2); short protein forms E441Q, E320Q, E463Q.
Identifiers: ClinVar variation 2144985 (VCV002144985.2), dbSNP rs929656161, ClinGen allele CA21912527.
Genomic context (GRCh38, chr1:46,192,334, plus strand): 5'-GACTCCAGCCCCCTCACCCTACCCTGACAGTTACCTTTTCCGGTGTAGGCCACTTGGGCT[C>G]AAGCTCCTCCTTGTACAAGGACCTCCTGAGCACCCAGCCCAGCCCAGGCATGGTCTCCAC-3'
Protein context (NP_060209.4, residues 453-473): LRRSLYKEEL[Glu463Gln]PKWPTPEKLW